The following is an entry in ClinVar:

NM_000038.6(APC):c.5431T>G (p.Ser1811Ala)

Gene: APC (APC regulator of Wnt signaling pathway; plus strand). Cytogenetic location: 5q22.2.
Variant type: single nucleotide variant.
Coding change: c.5431T>G on transcript NM_000038.6 (MANE Select); coding-DNA position 5431, T replaced by G.
Protein change: p.Ser1811Ala; replaces serine 1811 with alanine.
Molecular consequence: missense variant.
Genome position (GRCh38, 1-based): chr5:112,841,025, T>G. VCF-style: chr5-112841025-T-G. GRCh37 (hg19) VCF-style: chr5-112176722-T-G.
Other names: c.5431T>G, p.Ser1811Ala (NM_001127510.3, NM_001354895.2); c.5377T>G, p.Ser1793Ala (NM_001127511.3); c.5485T>G, p.Ser1829Ala (NM_001354896.2); c.5461T>G, p.Ser1821Ala (NM_001354897.2); c.5356T>G, p.Ser1786Ala (NM_001354898.2); c.5347T>G, p.Ser1783Ala (NM_001354899.2); c.5308T>G, p.Ser1770Ala (NM_001354900.2); c.5254T>G, p.Ser1752Ala (NM_001354901.2); and 5 more; short protein forms S1793A, S1811A, S1752A, S1720A, S1770A, S1783A, S1786A, S1821A.
Identifiers: ClinVar variation 482492 (VCV000482492.16), dbSNP rs777788406, ClinGen allele CA16033205.

ClinVar aggregate classification (germline): Uncertain significance. Review status: criteria provided, multiple submitters, no conflicts (2 of 4 stars). 4 submissions from 4 submitters: Uncertain significance (4). Last evaluated 2025-09-08.

Conditions:
Hereditary cancer-predisposing syndrome. Also called: Neoplastic Syndromes, Hereditary; Tumor predisposition; Hereditary Cancer Syndrome; Hereditary neoplastic syndrome. Identifiers: Orphanet 140162, MedGen C0027672, MeSH D009386, MONDO:0015356.
Familial adenomatous polyposis 1 (FAP1). Also called: FAMILIAL ADENOMATOUS POLYPOSIS 1, ATTENUATED; POLYPOSIS, ADENOMATOUS INTESTINAL. Identifiers: MedGen C2713442, MONDO:0021056, OMIM 175100. Disease mechanism: loss of function.

Allele frequency attached by ClinVar (database versions not stated): gnomAD exomes below 0.00001.
gnomAD v4.1: 2 of 1,610,992 alleles (0.00012%); highest among the groups gnomAD compares: Admixed American, 0.0033%; no homozygotes.

Submissions (4):

Labcorp Genetics (formerly Invitae), Labcorp
Classification: Uncertain significance for Familial adenomatous polyposis 1. Last evaluated: 2025-09-08. Review status: criteria provided, single submitter. Criteria: Invitae Variant Classification Sherloc (09022015). Collection method: clinical testing. Allele origin: germline.
Comment: This sequence change replaces serine, which is neutral and polar, with alanine, which is neutral and non-polar, at codon 1811 of the APC protein (p.Ser1811Ala). This variant is present in population databases (no rsID available, gnomAD 0.006%). This variant has not been reported in the literature in individuals affected with APC-related conditions. ClinVar contains an entry for this variant (Variation ID: 482492). Invitae Evidence Modeling of protein sequence and biophysical properties (such as structural, functional, and spatial information, amino acid conservation, physicochemical variation, residue mobility, and thermodynamic stability) indicates that this missense variant is not expected to disrupt APC protein function with a negative predictive value of 95%. In summary, the available evidence is currently insufficient to determine the role of this variant in disease. Therefore, it has been classified as a Variant of Uncertain Significance.

Ambry Genetics
Classification: Uncertain significance for Hereditary cancer-predisposing syndrome. Last evaluated: 2025-02-06. Review status: criteria provided, single submitter. Criteria: Ambry Variant Classification Scheme 2023. Collection method: clinical testing. Allele origin: germline.
Comment: The p.S1811A variant (also known as c.5431T>G), located in coding exon 15 of the APC gene, results from a T to G substitution at nucleotide position 5431. The serine at codon 1811 is replaced by alanine, an amino acid with similar properties. This amino acid position is not well conserved in available vertebrate species. In addition, in silico predictors for this gene do not accurately predict pathogenicity. Missense alterations in APC are not a common cause of disease (Spier I et al. Genet Med. 2024 Feb;26(2):100992). Based on the available evidence, the clinical significance of this variant remains unclear.

Color Diagnostics, LLC DBA Color Health
Classification: Uncertain significance for Hereditary cancer-predisposing syndrome. Last evaluated: 2024-03-06. Review status: criteria provided, single submitter. Criteria: ACMG Guidelines, 2015. Collection method: clinical testing. Allele origin: germline.
Comment: This missense variant replaces serine with alanine at codon 1811 of the APC protein. Computational prediction suggests that this variant may not impact protein structure and function (internally defined REVEL score threshold <= 0.5, PMID: 27666373). To our knowledge, functional studies have not been reported for this variant. This variant has not been reported in individuals affected with APC-related disorders in the literature. This variant has been identified in 2/249758 chromosomes in the general population by the Genome Aggregation Database (gnomAD). The available evidence is insufficient to determine the role of this variant in disease conclusively. Therefore, this variant is classified as a Variant of Uncertain Significance.

Baylor Genetics
Classification: Uncertain significance for Familial adenomatous polyposis 1. Last evaluated: 2023-09-25. Review status: criteria provided, single submitter. Criteria: ACMG Guidelines, 2015. Collection method: clinical testing. Allele origin: unknown.